The following is an entry in ClinVar:

NM_000188.3(HK1):c.2643A>T (p.Glu881Asp)

Gene: HK1 (hexokinase 1; plus strand). Cytogenetic location: 10q22.1.
Variant type: single nucleotide variant.
Coding change: c.2643A>T on transcript NM_000188.3 (MANE Select); coding-DNA position 2643, A replaced by T.
Protein change: p.Glu881Asp; replaces glutamic acid 881 with aspartic acid.
Molecular consequence: missense variant.
Genome position (GRCh38, 1-based): chr10:69,401,024, A>T. VCF-style: chr10-69401024-A-T. GRCh37 (hg19) VCF-style: chr10-71160780-A-T.
Other names: c.2655A>T, p.Glu885Asp (NM_001322364.2, NM_001358263.1, NM_033497.3 and 1 more transcripts); c.2748A>T, p.Glu916Asp (NM_001322365.2); c.2559A>T, p.Glu853Asp (NM_001322366.1); c.2547A>T, p.Glu849Asp (NM_001322367.1); c.2640A>T, p.Glu880Asp (NM_033496.3); c.2607A>T, p.Glu869Asp (NM_033500.2); c.2643A>T (NM_000188.2); short protein forms E916D, E849D, E853D, E885D, E869D, E880D, E881D.
Identifiers: ClinVar variation 2057460 (VCV002057460.5), dbSNP rs761910771, ClinGen allele CA5532911.

ClinVar aggregate classification (germline): Uncertain significance. Review status: criteria provided, multiple submitters, no conflicts (2 of 4 stars). 2 submissions from 2 submitters: Uncertain significance (2). Last evaluated 2024-02-06.

Conditions:
Inborn genetic diseases. Identifiers: MedGen C0950123, MeSH D030342.

Allele frequency attached by ClinVar (database versions not stated): ExAC 0.00001.
gnomAD v4.1: 11 of 1,614,178 alleles (0.00068%); highest among the groups gnomAD compares: East Asian, 0.02%; 1 homozygote.

Submissions (2):

Ambry Genetics
Classification: Uncertain significance for Inborn genetic diseases. Last evaluated: 2024-02-06. Review status: criteria provided, single submitter. Criteria: Ambry Variant Classification Scheme 2023. Collection method: clinical testing. Allele origin: germline.

Labcorp Genetics (formerly Invitae), Labcorp
Classification: Uncertain significance. Last evaluated: 2023-08-10. Review status: criteria provided, single submitter. Criteria: Invitae Variant Classification Sherloc (09022015). Collection method: clinical testing. Allele origin: germline.
Comment: In summary, the available evidence is currently insufficient to determine the role of this variant in disease. Therefore, it has been classified as a Variant of Uncertain Significance. Advanced modeling of protein sequence and biophysical properties (such as structural, functional, and spatial information, amino acid conservation, physicochemical variation, residue mobility, and thermodynamic stability) performed at Invitae indicates that this missense variant is not expected to disrupt HK1 protein function. ClinVar contains an entry for this variant (Variation ID: 2057460). This variant has not been reported in the literature in individuals affected with HK1-related conditions. This variant is present in population databases (rs761910771, gnomAD 0.03%). This sequence change replaces glutamic acid, which is acidic and polar, with aspartic acid, which is acidic and polar, at codon 881 of the HK1 protein (p.Glu881Asp).